The following is an entry in ClinVar:

NM_000245.4(MET):c.398G>A (p.Cys133Tyr)

Gene: MET (MET proto-oncogene, receptor tyrosine kinase; plus strand). Cytogenetic location: 7q31.2.
Variant type: single nucleotide variant.
Coding change: c.398G>A on transcript NM_000245.4 (MANE Select); coding-DNA position 398, G replaced by A.
Protein change: p.Cys133Tyr; replaces cysteine 133 with tyrosine.
Molecular consequence: missense variant. On other transcripts: intron variant (1).
Genome position (GRCh38, 1-based): chr7:116,699,482, G>A. VCF-style: chr7-116699482-G-A. GRCh37 (hg19) VCF-style: chr7-116339536-G-A.
Other names: c.398G>A, p.Cys133Tyr (NM_001127500.3, NM_001324401.3); c.-91+26905G>A (NM_001324402.2); short protein forms C133Y.
Identifiers: ClinVar variation 5024382 (VCV005024382.1).

ClinVar aggregate classification (germline): Uncertain significance (1 of 4 stars; one submission).

Conditions:
Hereditary cancer-predisposing syndrome. Also called: Neoplastic Syndromes, Hereditary; Tumor predisposition; Hereditary neoplastic syndrome; Hereditary Cancer Syndrome. Identifiers: Orphanet 140162, MedGen C0027672, MeSH D009386, MONDO:0015356.

Submission:

Ambry Genetics
Classification: Uncertain significance for Hereditary cancer-predisposing syndrome. Last evaluated: 2026-07-07. Review status: criteria provided, single submitter. Criteria: Ambry Variant Classification Scheme 2023. Collection method: clinical testing. Allele origin: germline.
Comment: The p.C133Y variant (also known as c.398G>A), located in coding exon 1 of the MET gene, results from a G to A substitution at nucleotide position 398. The cysteine at codon 133 is replaced by tyrosine, an amino acid with highly dissimilar properties. This amino acid position is conserved. In addition, this alteration is predicted to be deleterious by in silico analysis. Based on the available evidence, the clinical significance of this variant remains unclear.